The following is an entry in ClinVar:

NM_000439.5(PCSK1):c.378G>A (p.Trp126Ter)

Genes: CAST (calpastatin; plus strand), PCSK1 (proprotein convertase subtilisin/kexin type 1; minus strand), LOC101929710 (uncharacterized LOC101929710; plus strand). Cytogenetic location: 5q15.
Variant type: single nucleotide variant.
Coding change: c.378G>A on transcript NM_000439.5 (MANE Select); coding-DNA position 378, G replaced by A.
Protein change: p.Trp126Ter; replaces tryptophan 126 with a stop codon.
Molecular consequence: nonsense. On other transcripts: intron variant (11).
Genome position (GRCh38, 1-based): chr5:96,425,838, C>T on the plus strand (G>A on the coding strand, the complement: PCSK1 is on the minus strand). VCF-style: chr5-96425838-C-T. GRCh37 (hg19) VCF-style: chr5-95761542-C-T.
Other names: c.237G>A, p.Trp79Ter (NM_001177875.2); c.-175+46186C>T (NM_001423254.1, NM_001423259.1, NM_001423255.1 and 6 more transcripts); c.-103+46186C>T (NM_001423253.1); c.-40+46186C>T (NM_001423258.1); short protein forms W126*, W79*.
Identifiers: ClinVar variation 5001078 (VCV005001078.1).

ClinVar aggregate classification (germline): Likely pathogenic (1 of 4 stars; one submission).

Conditions:
PCSK1-related disorder. Also called: PCSK1-related condition.

Submission:

PreventionGenetics, part of Exact Sciences
Classification: Likely pathogenic for PCSK1-related condition. Last evaluated: 2025-05-08. Review status: criteria provided, single submitter. Criteria: ACMG Guidelines, 2015. Collection method: clinical testing. Allele origin: germline.
Comment: The PCSK1 c.378G>A variant is predicted to result in premature protein termination (p.Trp126*). To our knowledge, this variant has not been reported in the literature or in a large population database (gnomAD), indicating this variant is rare. Nonsense variants in PCSK1 are expected to be pathogenic. This variant is interpreted as likely pathogenic.